The following is an entry in ClinVar:

ClinVar aggregate classification (germline): Uncertain significance (1 of 4 stars; one submission).

Conditions:
Severe combined immunodeficiency due to DNA-PKcs deficiency. Also called: Immunodeficiency 26 with or without neurologic abnormalities; IMMUNODEFICIENCY 26 WITH NEUROLOGIC ABNORMALITIES. Identifiers: Orphanet 317425, MedGen C4014833, MONDO:0014423, OMIM 615966.

Allele frequency attached by ClinVar (database versions not stated): 1000 Genomes Project 0.00040; 1000 Genomes Project 30x 0.00047.
gnomAD v4.1: 56 of 1,613,910 alleles (0.0035%); highest among the groups gnomAD compares: Non-Finnish European, 0.0043%; no homozygotes.

Submission:

Labcorp Genetics (formerly Invitae), Labcorp
Classification: Uncertain significance for Severe combined immunodeficiency due to DNA-PKcs deficiency. Last evaluated: 2024-10-30. Review status: criteria provided, single submitter. Criteria: Invitae Variant Classification Sherloc (09022015). Collection method: clinical testing. Allele origin: germline.
Comment: This sequence change replaces lysine, which is basic and polar, with asparagine, which is neutral and polar, at codon 2758 of the PRKDC protein (p.Lys2758Asn). This variant is present in population databases (rs148855050, gnomAD 0.006%). This variant has not been reported in the literature in individuals affected with PRKDC-related conditions. ClinVar contains an entry for this variant (Variation ID: 2709295). Invitae Evidence Modeling of protein sequence and biophysical properties (such as structural, functional, and spatial information, amino acid conservation, physicochemical variation, residue mobility, and thermodynamic stability) indicates that this missense variant is expected to disrupt PRKDC protein function with a positive predictive value of 80%. In summary, the available evidence is currently insufficient to determine the role of this variant in disease. Therefore, it has been classified as a Variant of Uncertain Significance.

NM_006904.7(PRKDC):c.8274G>C (p.Lys2758Asn)

Gene: PRKDC (protein kinase, DNA-activated, catalytic subunit; minus strand). Cytogenetic location: 8q11.21.
Variant type: single nucleotide variant.
Coding change: c.8274G>C on transcript NM_006904.7 (MANE Select); coding-DNA position 8274, G replaced by C.
Protein change: p.Lys2758Asn; replaces lysine 2758 with asparagine.
Molecular consequence: missense variant.
Genome position (GRCh38, 1-based): chr8:47,830,728, C>G on the plus strand (G>C on the coding strand, the complement: PRKDC is on the minus strand). VCF-style: chr8-47830728-C-G. GRCh37 (hg19) VCF-style: chr8-48743289-C-G.
Other names: c.8274G>C, p.Lys2758Asn (NM_001081640.2); short protein forms K2758N.
Identifiers: ClinVar variation 2709295 (VCV002709295.2), dbSNP rs148855050, ClinGen allele CA4739863.
Genomic context (GRCh38, chr8:47,830,728, plus strand): 5'-TCCGTGCCGGTAGCTTCTGTACAGAACGACCTGGGCATCCTGCTTCATTTTTAACTCACT[C>G]TTGATTTCCTATAAGCACCAGAACCAAAGAAGAAGATGAGCATTCTCATTGAAGGAAACT-3'
Protein context (NP_008835.5, residues 2748-2768): VAEQKREKEI[Lys2758Asn]SELKMKQDAQ